The following is an entry in ClinVar:

NM_000368.5(TSC1):c.916T>C (p.Cys306Arg)

Gene: TSC1 (TSC complex subunit 1; minus strand). Cytogenetic location: 9q34.13.
Variant type: single nucleotide variant.
Coding change: c.916T>C on transcript NM_000368.5 (MANE Select); coding-DNA position 916, T replaced by C.
Protein change: p.Cys306Arg; replaces cysteine 306 with arginine.
Molecular consequence: missense variant.
Genome position (GRCh38, 1-based): chr9:132,911,566, A>G on the plus strand (T>C on the coding strand, the complement: TSC1 is on the minus strand). VCF-style: chr9-132911566-A-G. GRCh37 (hg19) VCF-style: chr9-135786953-A-G.
Other names: c.916T>C, p.Cys306Arg (NM_001162426.2); c.763T>C, p.Cys255Arg (NM_001162427.2); c.553T>C, p.Cys185Arg (NM_001362177.2); short protein forms C306R, C255R, C185R.
Identifiers: ClinVar variation 963229 (VCV000963229.11), dbSNP rs34876281, ClinGen allele CA375368758.

ClinVar aggregate classification (germline): Uncertain significance. Review status: criteria provided, multiple submitters, no conflicts (2 of 4 stars). 2 submissions from 2 submitters: Uncertain significance (2). Last evaluated 2025-01-28.

Conditions:
Hereditary cancer-predisposing syndrome. Also called: Hereditary neoplastic syndrome; Tumor predisposition; Neoplastic Syndromes, Hereditary; Hereditary Cancer Syndrome. Identifiers: Orphanet 140162, MedGen C0027672, MeSH D009386, MONDO:0015356.
Tuberous sclerosis 1 (TSC1). Identifiers: Orphanet 805, MedGen C1854465, MONDO:0008612, OMIM 191100.

Submissions (2):

Labcorp Genetics (formerly Invitae), Labcorp
Classification: Uncertain significance for Tuberous sclerosis 1. Last evaluated: 2025-01-28. Review status: criteria provided, single submitter. Criteria: Invitae Variant Classification Sherloc (09022015). Collection method: clinical testing. Allele origin: germline.
Comment: This sequence change replaces cysteine, which is neutral and slightly polar, with arginine, which is basic and polar, at codon 306 of the TSC1 protein (p.Cys306Arg). This variant is not present in population databases (gnomAD no frequency). This variant has not been reported in the literature in individuals affected with TSC1-related conditions. ClinVar contains an entry for this variant (Variation ID: 963229). Invitae Evidence Modeling of protein sequence and biophysical properties (such as structural, functional, and spatial information, amino acid conservation, physicochemical variation, residue mobility, and thermodynamic stability) indicates that this missense variant is not expected to disrupt TSC1 protein function with a negative predictive value of 95%. In summary, the available evidence is currently insufficient to determine the role of this variant in disease. Therefore, it has been classified as a Variant of Uncertain Significance.

Ambry Genetics
Classification: Uncertain significance for Hereditary cancer-predisposing syndrome. Last evaluated: 2022-03-29. Review status: criteria provided, single submitter. Criteria: Ambry Variant Classification Scheme 2023. Collection method: clinical testing. Allele origin: germline.
Comment: The p.C306R variant (also known as c.916T>C), located in coding exon 8 of the TSC1 gene, results from a T to C substitution at nucleotide position 916. The cysteine at codon 306 is replaced by arginine, an amino acid with highly dissimilar properties. This amino acid position is conserved. In addition, the in silico prediction for this alteration is inconclusive. Since supporting evidence is limited at this time, the clinical significance of this alteration remains unclear.